The following is an entry in ClinVar:

NM_002474.3(MYH11):c.3244_3270del (p.Lys1082_Glu1090del)

Gene: MYH11 (myosin heavy chain 11; minus strand). Cytogenetic location: 16p13.11.
Variant type: Deletion.
Coding change: c.3244_3270del on transcript NM_002474.3 (MANE Select); coding-DNA positions 3244 to 3270, 27 bases deleted (AAGATGCAGCTGGCCAAGAAGGAGGAG).
Protein change: p.Lys1082_Glu1090del.
Molecular consequence: inframe deletion.
Genome position (GRCh38, 1-based): chr16:15,737,472-15,737,498, CTCCTCCTTCTTGGCCAGCTGCATCTT deleted on the plus strand (AAGATGCAGCTGGCCAAGAAGGAGGAG on the coding strand, the reverse complement: MYH11 is on the minus strand). VCF-style (leftmost placement, unchanged base first): chr16-15737471-CCTCCTCCTTCTTGGCCAGCTGCATCTT-C. GRCh37 (hg19) VCF-style: chr16-15831328-CCTCCTCCTTCTTGGCCAGCTGCATCTT-C.
Other names: c.3265_3291del, p.Lys1089_Glu1097del (NM_001040113.2, NM_001040114.2); c.3244_3270del, p.Lys1082_Glu1090del (NM_022844.3).
Identifiers: ClinVar variation 519573 (VCV000519573.5), dbSNP rs1555557191, ClinGen allele CA658798552.
Genomic context (GRCh38, chr16:15,737,471, plus strand): 5'-ATGGACACACAGCAAATGCCCCTTGCCAGCCCCGCTACCTGGCCAGGGCCGCCTGCAGCT[CCTCCTCCTTCTTGGCCAGCTGCATCTT>C]GAGCTCTGCGATCTGCGCCTGGAGGTCAGCGATCTGCTCGTGGAAGTCGCTGGCATCACC-3'

ClinVar aggregate classification (germline): Uncertain significance (1 of 4 stars; one submission).

Conditions:
Familial thoracic aortic aneurysm and aortic dissection (TAAD). Also called: Thoracic aortic aneurysms and dissections. Identifiers: Orphanet 91387, MedGen C4707243, MONDO:0019625.

Submission:

Ambry Genetics
Classification: Uncertain significance for Familial thoracic aortic aneurysm and aortic dissection. Last evaluated: 2016-10-13. Review status: criteria provided, single submitter. Criteria: Ambry Variant Classification Scheme 2023. Collection method: clinical testing. Allele origin: germline.
Comment: The c.3244_3270del27 variant (also known as p.K1082_E1090del) is located in coding exon 24 of the MYH11 gene. This variant results from an in-frame deletion of 27 nucleotides at positions 3244 to 3270. This results in the deletion of nine amino acid residues at codons 1082 to 1090. This variant was not reported in population based cohorts in the following databases: Database of Single Nucleotide Polymorphisms (dbSNP), NHLBI Exome Sequencing Project (ESP), and 1000 Genomes Project. In the ESP, this variant was not observed in 6497 samples (12994 alleles) with coverage at these positions. These amino acid positions are highly conserved in available vertebrate species. Since supporting evidence is limited at this time, the clinical significance of this alteration remains unclear.